The following is an entry in ClinVar:

NM_198253.3(TERT):c.2021G>T (p.Gly674Val)

Gene: TERT (telomerase reverse transcriptase; minus strand). Cytogenetic location: 5p15.33.
Variant type: single nucleotide variant.
Coding change: c.2021G>T on transcript NM_198253.3 (MANE Select); coding-DNA position 2021, G replaced by T.
Protein change: p.Gly674Val; replaces glycine 674 with valine.
Molecular consequence: missense variant. On other transcripts: non-coding transcript variant (2).
Genome position (GRCh38, 1-based): chr5:1,279,400, C>A on the plus strand (G>T on the coding strand, the complement: TERT is on the minus strand). VCF-style: chr5-1279400-C-A. GRCh37 (hg19) VCF-style: chr5-1279515-C-A.
Other names: c.2021G>T, p.Gly674Val (NM_001193376.3, NM_003219.1); short protein forms G674V.
Identifiers: ClinVar variation 2189223 (VCV002189223.4), dbSNP rs1238092784, ClinGen allele CA359080370.

ClinVar aggregate classification (germline): Uncertain significance (1 of 4 stars; one submission).

Conditions:
Dyskeratosis congenita, autosomal dominant 2. Identifiers: MedGen C3151443, MONDO:0013521, OMIM 613989.
Idiopathic Pulmonary Fibrosis. Also called: Idiopathic fibrosing alveolitis, chronic form; idiopathic fibrosing alveolitis. Identifiers: Orphanet 2032, MedGen C1800706, MeSH D054990, MONDO:0800504.

Submission:

Labcorp Genetics (formerly Invitae), Labcorp
Classification: Uncertain significance for Dyskeratosis congenita, autosomal dominant 2; Idiopathic Pulmonary Fibrosis. Last evaluated: 2022-04-17. Review status: criteria provided, single submitter. Criteria: Invitae Variant Classification Sherloc (09022015). Collection method: clinical testing. Allele origin: germline.
Comment: In summary, the available evidence is currently insufficient to determine the role of this variant in disease. Therefore, it has been classified as a Variant of Uncertain Significance. Advanced modeling of protein sequence and biophysical properties (such as structural, functional, and spatial information, amino acid conservation, physicochemical variation, residue mobility, and thermodynamic stability) performed at Invitae indicates that this missense variant is not expected to disrupt TERT protein function. This variant has not been reported in the literature in individuals affected with TERT-related conditions. This variant is not present in population databases (gnomAD no frequency). This sequence change replaces glycine, which is neutral and non-polar, with valine, which is neutral and non-polar, at codon 674 of the TERT protein (p.Gly674Val).